The following is an entry in ClinVar:

ClinVar aggregate classification (germline): Uncertain significance. Review status: criteria provided, multiple submitters, no conflicts (2 of 4 stars). 3 submissions from 3 submitters: Uncertain significance (3). Last evaluated 2023-07-31.

Conditions:
Hereditary cancer-predisposing syndrome. Also called: Hereditary Cancer Syndrome; Hereditary neoplastic syndrome; Tumor predisposition; Neoplastic Syndromes, Hereditary. Identifiers: Orphanet 140162, MedGen C0027672, MeSH D009386, MONDO:0015356.
Hereditary nonpolyposis colorectal neoplasms. Identifiers: MedGen C0009405, MeSH D003123.
Lynch syndrome. Identifiers: Orphanet 144, MedGen C4552100, MONDO:0005835. Disease mechanism: loss of function.

Allele frequency attached by ClinVar (database versions not stated): TOPMed below 0.00001; gnomAD 0.00001.
gnomAD v4.1: 1 of 1,612,672 alleles (0.000062%); highest among the groups gnomAD compares: Admixed American, 0.0017%; no homozygotes.

Submissions (3):

Labcorp Genetics (formerly Invitae), Labcorp
Classification: Uncertain significance for Hereditary nonpolyposis colorectal neoplasms. Last evaluated: 2023-07-31. Review status: criteria provided, single submitter. Criteria: Invitae Variant Classification Sherloc (09022015). Collection method: clinical testing. Allele origin: germline.
Comment: In summary, the available evidence is currently insufficient to determine the role of this variant in disease. Therefore, it has been classified as a Variant of Uncertain Significance. Advanced modeling of protein sequence and biophysical properties (such as structural, functional, and spatial information, amino acid conservation, physicochemical variation, residue mobility, and thermodynamic stability) has been performed at Invitae for this missense variant, however the output from this modeling did not meet the statistical confidence thresholds required to predict the impact of this variant on MSH6 protein function. ClinVar contains an entry for this variant (Variation ID: 1792418). This variant has not been reported in the literature in individuals affected with MSH6-related conditions. This variant is not present in population databases (gnomAD no frequency). This sequence change replaces proline, which is neutral and non-polar, with serine, which is neutral and polar, at codon 838 of the MSH6 protein (p.Pro838Ser).

All of Us Research Program, National Institutes of Health
Classification: Uncertain significance for Lynch syndrome. Last evaluated: 2023-06-26. Review status: criteria provided, single submitter. Criteria: ACMG Guidelines, 2015. Collection method: clinical testing. Allele origin: germline. Inheritance: Autosomal dominant inheritance. Observed: 1 variant allele, 1 heterozygote.
Comment: This missense variant replaces proline with serine at codon 838 of the MSH6 protein. Computational prediction is inconclusive regarding the impact of this variant on protein structure and function (internally defined REVEL score threshold 0.5 < inconclusive < 0.7, PMID: 27666373). To our knowledge, functional studies have not been reported for this variant. This variant has not been reported in individuals affected with MSH6-related disorders in the literature. This variant has not been identified in the general population by the Genome Aggregation Database (gnomAD). The available evidence is insufficient to determine the role of this variant in disease conclusively. Therefore, this variant is classified as a Variant of Uncertain Significance.

This study involves interpretation of variants in research participants for the purpose of population health screening. Participant phenotype was not available at the time of variant classification. Additional details can be found in publication PMID: 35346344, PMCID: PMC8962531

Ambry Genetics
Classification: Uncertain significance for Hereditary cancer-predisposing syndrome. Last evaluated: 2018-03-27. Review status: criteria provided, single submitter. Criteria: Ambry Variant Classification Scheme 2023. Collection method: clinical testing. Allele origin: germline.
Comment: The p.P838S variant (also known as c.2512C>T), located in coding exon 4 of the MSH6 gene, results from a C to T substitution at nucleotide position 2512. The proline at codon 838 is replaced by serine, an amino acid with similar properties. This amino acid position is highly conserved in available vertebrate species. In addition, this alteration is predicted to be deleterious by in silico analysis. In addition, the CoDP in silico tool predicts this alteration to likely impair molecular function, with a score of 0.757 (Terui H et al. J. Biomed. Sci. 2013 Apr;20:25). Since supporting evidence is limited at this time, the clinical significance of this alteration remains unclear.

NM_000179.3(MSH6):c.2512C>T (p.Pro838Ser)

Gene: MSH6 (mutS homolog 6; plus strand). Cytogenetic location: 2p16.3.
Variant type: single nucleotide variant.
Coding change: c.2512C>T on transcript NM_000179.3 (MANE Select); coding-DNA position 2512, C replaced by T.
Protein change: p.Pro838Ser; replaces proline 838 with serine.
Molecular consequence: missense variant.
Genome position (GRCh38, 1-based): chr2:47,800,495, C>T. VCF-style: chr2-47800495-C-T. GRCh37 (hg19) VCF-style: chr2-48027634-C-T.
Other names: c.2122C>T, p.Pro708Ser (NM_001281492.2); c.1606C>T, p.Pro536Ser (NM_001281493.2, NM_001281494.2, NM_001406811.1 and 6 more transcripts); c.2608C>T, p.Pro870Ser (NM_001406795.1, NM_001406802.1); c.2512C>T, p.Pro838Ser (NM_001406796.1, NM_001406798.1, NM_001406800.1 and 2 more transcripts); c.2215C>T, p.Pro739Ser (NM_001406797.1, NM_001406801.1, NM_001406805.1 and 10 more transcripts); c.1987C>T, p.Pro663Ser (NM_001406799.1, NM_001406806.1, NM_001406807.1); c.2434C>T, p.Pro812Ser (NM_001406804.1); c.2518C>T, p.Pro840Ser (NM_001406813.1); and 1 more; short protein forms P663S, P838S, P536S, P708S, P739S, P782S, P840S, P812S.
Identifiers: ClinVar variation 1792418 (VCV001792418.6), dbSNP rs1669472458, ClinGen allele CA346754311.